The following is an entry in ClinVar:

ClinVar aggregate classification (germline): Likely benign. Review status: criteria provided, multiple submitters, no conflicts (2 of 4 stars). 5 submissions from 5 submitters: Likely benign (4). 1 of the submissions does not count toward it. Last evaluated 2026-01-06.

Conditions:
AP3D1-related disorder. Also called: AP3D1-related condition.

Allele frequency attached by ClinVar (database versions not stated): gnomAD exomes 0.00016; ESP Exome Variant Server 0.00024; gnomAD 0.00069 and 0.00070; 1000 Genomes Project 30x 0.00078; 1000 Genomes Project 0.00080; TOPMed 0.00085; ExAC 0.00015.
gnomAD v4.1: 355 of 1,612,536 alleles (0.022%); highest among the groups gnomAD compares: African/African-American, 0.27%; 1 homozygote.

Submissions (5):

Labcorp Genetics (formerly Invitae), Labcorp
Classification: Likely benign. Last evaluated: 2026-01-06. Review status: criteria provided, single submitter. Criteria: Invitae Variant Classification Sherloc (09022015). Collection method: clinical testing. Allele origin: germline.

Blueprint Genetics
Classification: Likely benign. Last evaluated: 2024-11-01. Review status: criteria provided, single submitter. Criteria: ACMG Guidelines, 2015. Collection method: clinical testing. Allele origin: germline.

CeGaT Center for Human Genetics Tuebingen
Classification: Likely benign. Last evaluated: 2023-02-01. Review status: criteria provided, single submitter. Criteria: CeGaT Center For Human Genetics Tuebingen Variant Classification Criteria Version 2. Collection method: clinical testing. Allele origin: germline. Affected: yes. Observed: 1 variant allele.
Comment: AP3D1: BP4, BP7

GeneDx
Classification: Likely benign. Last evaluated: 2019-06-28. Review status: criteria provided, single submitter. Criteria: GeneDx Variant Classification Process June 2021. Collection method: clinical testing. Allele origin: germline. Affected: yes.

PreventionGenetics, part of Exact Sciences
Classification: Likely benign for AP3D1-related condition. Last evaluated: 2019-12-20. Review status: no assertion criteria provided. Collection method: clinical testing. Allele origin: germline. Not counted in ClinVar's aggregate classification.
Comment: This variant is classified as likely benign based on ACMG/AMP sequence variant interpretation guidelines (Richards et al. 2015 PMID: 25741868, with internal and published modifications).

NM_001261826.3(AP3D1):c.3198T>C (p.Tyr1066=)

Gene: AP3D1 (adaptor related protein complex 3 subunit delta 1; minus strand). Cytogenetic location: 19p13.3.
Variant type: single nucleotide variant.
Coding change: c.3198T>C on transcript NM_001261826.3 (MANE Select); coding-DNA position 3198, T replaced by C.
Protein change: p.Tyr1066=; no amino-acid change (tyrosine 1066 retained).
Molecular consequence: synonymous variant.
Genome position (GRCh38, 1-based): chr19:2,110,202, A>G on the plus strand (T>C on the coding strand, the complement: AP3D1 is on the minus strand). VCF-style: chr19-2110202-A-G. GRCh37 (hg19) VCF-style: chr19-2110201-A-G.
Other names: c.3162T>C, p.Tyr1054= (NM_001374799.1); c.3012T>C, p.Tyr1004= (NM_003938.8).
Identifiers: ClinVar variation 778804 (VCV000778804.38), dbSNP rs111908193, ClinGen allele CA9058512.
Genomic context (GRCh38, chr19:2,110,202, plus strand): 5'-AATGAAGGACAGGGTCCCCTTGAGCTTCTGCGCCATGACGATGCTCTGGATGGTGAACAC[A>G]TACTGGGCTTCGTTGGAGACGCCTGGCGGGGGCGAGAGGGAGTGGGGCCTGAGACGCTGC-3'
Protein context (NP_001248755.1, residues 1056-1076): LPPGVSNEAQ[Tyr1066=]VFTIQSIVMA